The following is an entry in ClinVar:

NM_015295.3(SMCHD1):c.3931A>G (p.Met1311Val)

Gene: SMCHD1 (structural maintenance of chromosomes flexible hinge domain containing 1; plus strand). Cytogenetic location: 18p11.32.
Variant type: single nucleotide variant.
Coding change: c.3931A>G on transcript NM_015295.3 (MANE Select); coding-DNA position 3931, A replaced by G.
Protein change: p.Met1311Val; replaces methionine 1311 with valine.
Molecular consequence: missense variant.
Genome position (GRCh38, 1-based): chr18:2,750,046, A>G. VCF-style: chr18-2750046-A-G. GRCh37 (hg19) VCF-style: chr18-2750044-A-G.
Other names: short protein forms M1311V.
Identifiers: ClinVar variation 2062783 (VCV002062783.4), dbSNP rs1229591475, ClinGen allele CA401691368.
Genomic context (GRCh38, chr18:2,750,046, plus strand): 5'-AACTTGATTGATCTCTAGAATTTTCTAATTAACCATTTTGTTTTGTTTTGTTTTTAGCTC[A>G]TGCCTTCAAACCAACAGCATAAAACAGATGAGAAAGGCAGGGCTAATTTGGGAGTATTCA-3'
Protein context (NP_056110.2, residues 1301-1321): SLTKASNLKL[Met1311Val]PSNQQHKTDE

ClinVar aggregate classification (germline): Uncertain significance (1 of 4 stars; one submission).

Conditions:
Facioscapulohumeral muscular dystrophy 2 (FSHD2). Also called: FACIOSCAPULOHUMERAL MUSCULAR DYSTROPHY 2, DIGENIC; FSHD2, DIGENIC; MUSCULAR DYSTROPHY, FACIOSCAPULOHUMERAL, TYPE 1B. Identifiers: Orphanet 269, MedGen C1834671, MONDO:0008031, OMIM 158901.

Allele frequency attached by ClinVar (database versions not stated): gnomAD exomes below 0.00001.

Submission:

Labcorp Genetics (formerly Invitae), Labcorp
Classification: Uncertain significance for Facioscapulohumeral muscular dystrophy 2. Last evaluated: 2022-12-06. Review status: criteria provided, single submitter. Criteria: Invitae Variant Classification Sherloc (09022015). Collection method: clinical testing. Allele origin: germline.
Comment: Advanced modeling of protein sequence and biophysical properties (such as structural, functional, and spatial information, amino acid conservation, physicochemical variation, residue mobility, and thermodynamic stability) performed at Invitae indicates that this missense variant is not expected to disrupt SMCHD1 protein function. In summary, the available evidence is currently insufficient to determine the role of this variant in disease. Therefore, it has been classified as a Variant of Uncertain Significance. This sequence change replaces methionine, which is neutral and non-polar, with valine, which is neutral and non-polar, at codon 1311 of the SMCHD1 protein (p.Met1311Val). The frequency data for this variant in the population databases is considered unreliable, as metrics indicate poor data quality at this position in the gnomAD database. This variant has not been reported in the literature in individuals affected with SMCHD1-related conditions.